The following is an entry in ClinVar:

ClinVar aggregate classification (germline): Conflicting classifications of pathogenicity. Review status: criteria provided, conflicting classifications (1 of 4 stars). 9 submissions from 9 submitters: Uncertain significance (8); Likely benign (1). Last evaluated 2026-01-25.

Conditions:
Classic or attenuated familial adenomatous polyposis. Identifiers: MedGen CN372698, MONDO:0021057.
Hereditary cancer-predisposing syndrome. Also called: Hereditary neoplastic syndrome; Hereditary Cancer Syndrome; Neoplastic Syndromes, Hereditary; Tumor predisposition. Identifiers: Orphanet 140162, MedGen C0027672, MeSH D009386, MONDO:0015356.
Familial adenomatous polyposis 1 (FAP1). Also called: FAMILIAL ADENOMATOUS POLYPOSIS 1, ATTENUATED; POLYPOSIS, ADENOMATOUS INTESTINAL. Identifiers: MedGen C2713442, MONDO:0021056, OMIM 175100. Disease mechanism: loss of function.

Allele frequency attached by ClinVar (database versions not stated): gnomAD exomes below 0.00001 and 0.00001; ExAC 0.00001; gnomAD 0.00003; TOPMed 0.00003.
gnomAD v4.1: 16 of 1,613,918 alleles (0.00099%); highest among the groups gnomAD compares: African/African-American, 0.0027%; no homozygotes.

Submissions (9):

Labcorp Genetics (formerly Invitae), Labcorp
Classification: Uncertain significance for Familial adenomatous polyposis 1. Last evaluated: 2026-01-25. Review status: criteria provided, single submitter. Criteria: Invitae Variant Classification Sherloc (09022015). Collection method: clinical testing. Allele origin: germline.
Comment: This sequence change replaces cysteine, which is neutral and slightly polar, with arginine, which is basic and polar, at codon 1727 of the APC protein (p.Cys1727Arg). This variant is present in population databases (rs758815860, gnomAD 0.007%). This missense change has been observed in individual(s) with familial adenomatous polyposis (PMID: 23159591). ClinVar contains an entry for this variant (Variation ID: 236615). Invitae Evidence Modeling of protein sequence and biophysical properties (such as structural, functional, and spatial information, amino acid conservation, physicochemical variation, residue mobility, and thermodynamic stability) has been performed for this missense variant. However, the output from this modeling did not meet the statistical confidence thresholds required to predict the impact of this variant on APC protein function. In summary, the available evidence is currently insufficient to determine the role of this variant in disease. Therefore, it has been classified as a Variant of Uncertain Significance.

All of Us Research Program, National Institutes of Health
Classification: Uncertain significance for Classic or attenuated familial adenomatous polyposis. Last evaluated: 2024-08-13. Review status: criteria provided, single submitter. Criteria: ACMG Guidelines, 2015. Collection method: clinical testing. Allele origin: germline. Inheritance: Autosomal dominant inheritance. Observed: 7 variant alleles, 7 heterozygotes.
Comment: This missense variant replaces cysteine with arginine at codon 1727 of the APC protein. Computational prediction suggests that this variant may have deleterious impact on protein structure and function (internally defined REVEL score threshold >= 0.7, PMID: 27666373). To our knowledge, functional studies have not been reported for this variant. This variant has been reported in an individual suspected of having familial adenomatous polyposis (PMID: 23159591). This variant has been identified in 2/281874 chromosomes in the general population by the Genome Aggregation Database (gnomAD). The available evidence is insufficient to determine the role of this variant in disease conclusively. Therefore, this variant is classified as a Variant of Uncertain Significance.

This study involves interpretation of variants in research participants for the purpose of population health screening. Participant phenotype was not available at the time of variant classification. Additional details can be found in publication PMID: 35346344, PMCID: PMC8962531

Color Diagnostics, LLC DBA Color Health
Classification: Uncertain significance for Hereditary cancer-predisposing syndrome. Last evaluated: 2024-07-24. Review status: criteria provided, single submitter. Criteria: ACMG Guidelines, 2015. Collection method: clinical testing. Allele origin: germline.
Comment: This missense variant replaces cysteine with arginine at codon 1727 of the APC protein. Computational prediction suggests that this variant may have deleterious impact on protein structure and function (internally defined REVEL score threshold >= 0.7, PMID: 27666373). To our knowledge, functional studies have not been reported for this variant. This variant has been reported in an individual suspected of familial adenomatous polyposis (PMID: 23159591). This variant has been identified in 2/281874 chromosomes in the general population by the Genome Aggregation Database (gnomAD). The available evidence is insufficient to determine the role of this variant in disease conclusively. Therefore, this variant is classified as a Variant of Uncertain Significance.

Baylor Genetics
Classification: Uncertain significance for Familial adenomatous polyposis 1. Last evaluated: 2024-03-10. Review status: criteria provided, single submitter. Criteria: ACMG Guidelines, 2015. Collection method: clinical testing. Allele origin: unknown.

GeneDx
Classification: Uncertain significance. Last evaluated: 2023-12-06. Review status: criteria provided, single submitter. Criteria: GeneDx Variant Classification Process June 2021. Collection method: clinical testing. Allele origin: germline. Affected: yes.
Comment: Observed in individuals undergoing clinical evaluation for Familial Adenomatous Polyposis and in individuals with breast cancer (PMID: 23159591, 25186627); In silico analysis supports that this missense variant has a deleterious effect on protein structure/function; Not observed at significant frequency in large population cohorts (gnomAD); This variant is associated with the following publications: (PMID: 23159591, 25186627, 18199528)

Quest Diagnostics Nichols Institute San Juan Capistrano
Classification: Uncertain significance. Last evaluated: 2023-02-09. Review status: criteria provided, single submitter. Criteria: Quest Diagnostics criteria. Collection method: clinical testing. Allele origin: unknown.
Comment: The frequency of this variant in the general population, 0.0000071 (2/281874 chromosomes), is uninformative in assessment of its pathogenicity. In the published literature, the variant has been reported in individuals with familial adenomatous polyposis (FAP) (PMID: 23159591 (2013)) and breast cancer (PMID: 25186627 (2015)). Analysis of this variant using bioinformatics tools for the prediction of the effect of amino acid changes on protein structure and function yielded predictions that this variant is damaging. Based on the available information, we are unable to determine the clinical significance of this variant.

Institute for Clinical Genetics, University Hospital TU Dresden, University Hospital TU Dresden
Classification: Uncertain significance. Last evaluated: 2021-11-03. Review status: criteria provided, single submitter. Criteria: ACMG Guidelines, 2015. Collection method: clinical testing. Allele origin: germline.

Women's Health and Genetics/Laboratory Corporation of America, LabCorp
Classification: Uncertain significance. Last evaluated: 2021-03-08. Review status: criteria provided, single submitter. Criteria: LabCorp Variant Classification Summary - May 2015. Collection method: clinical testing. Allele origin: germline.
Comment: Variant summary: APC c.5179T>C (p.Cys1727Arg) results in a non-conservative amino acid change in the encoded protein sequence. Four of five in-silico tools predict a damaging effect of the variant on protein function. The variant allele was found at a frequency of 4e-06 in 250466 control chromosomes (gnomAD). The available data on variant occurrences in the general population are insufficient to allow any conclusion about variant significance. c.5179T>C has been reported in the literature in one individual affected with breast cancer and one individual who underwent testing for familial adenomatous polyposis (Kerr_2013, Tung_2015). These reports do not provide unequivocal conclusions about association of the variant with Familial Adenomatous Polyposis. To our knowledge, no experimental evidence demonstrating an impact on protein function has been reported. Five ClinVar submitters (evaluation after 2014) cite the variant as likely benign (n=1) and uncertain significance (n=4). Based on the evidence outlined above, the variant was classified as uncertain significance.

Ambry Genetics
Classification: Likely benign for Hereditary cancer-predisposing syndrome. Last evaluated: 2020-09-24. Review status: criteria provided, single submitter. Criteria: Ambry Variant Classification Scheme 2023. Collection method: clinical testing. Allele origin: germline.

Literature cited by the submitters: PubMed 23159591 (cited by 6 submitters); PubMed 25186627 (cited by Quest Diagnostics Nichols Institute San Juan Capistrano and Women's Health and Genetics/Laboratory Corporation of America, LabCorp).

NM_000038.6(APC):c.5179T>C (p.Cys1727Arg)

Gene: APC (APC regulator of Wnt signaling pathway; plus strand). Cytogenetic location: 5q22.2.
Variant type: single nucleotide variant.
Coding change: c.5179T>C on transcript NM_000038.6 (MANE Select); coding-DNA position 5179, T replaced by C.
Protein change: p.Cys1727Arg; replaces cysteine 1727 with arginine.
Molecular consequence: missense variant.
Genome position (GRCh38, 1-based): chr5:112,840,773, T>C. VCF-style: chr5-112840773-T-C. GRCh37 (hg19) VCF-style: chr5-112176470-T-C.
Other names: c.5179T>C, p.Cys1727Arg (NM_001127510.3, NM_001354895.2); c.5125T>C, p.Cys1709Arg (NM_001127511.3); c.5233T>C, p.Cys1745Arg (NM_001354896.2); c.5209T>C, p.Cys1737Arg (NM_001354897.2); c.5104T>C, p.Cys1702Arg (NM_001354898.2); c.5095T>C, p.Cys1699Arg (NM_001354899.2); c.5056T>C, p.Cys1686Arg (NM_001354900.2); c.5002T>C, p.Cys1668Arg (NM_001354901.2); and 5 more; short protein forms C1709R, C1727R, C1444R, C1567R, C1699R, C1636R, C1626R, C1668R.
Identifiers: ClinVar variation 236615 (VCV000236615.34), dbSNP rs758815860, ClinGen allele CA040871.